The following is an entry in ClinVar:

NM_003036.4(SKI):c.164C>A (p.Ala55Glu)

Gene: SKI (SKI proto-oncogene; plus strand). Cytogenetic location: 1p36.33.
Variant type: single nucleotide variant.
Coding change: c.164C>A on transcript NM_003036.4 (MANE Select); coding-DNA position 164, C replaced by A.
Protein change: p.Ala55Glu; replaces alanine 55 with glutamic acid.
Molecular consequence: missense variant.
Genome position (GRCh38, 1-based): chr1:2,228,930, C>A. VCF-style: chr1-2228930-C-A. GRCh37 (hg19) VCF-style: chr1-2160369-C-A.
Other names: short protein forms A55E.
Identifiers: ClinVar variation 3345814 (VCV003345814.2).

ClinVar aggregate classification (germline): Uncertain significance (1 of 4 stars; one submission).

Conditions:
SKI-related disorder. Also called: SKI-related condition.

Submission:

PreventionGenetics, part of Exact Sciences
Classification: Uncertain significance for SKI-related condition. Last evaluated: 2026-05-07. Review status: criteria provided, single submitter. Criteria: ACMG Guidelines, 2015. Collection method: clinical testing. Allele origin: germline.
Comment: The SKI c.164C>A variant is predicted to result in the amino acid substitution p.Ala55Glu. To our knowledge, this variant has not been reported in the literature. This variant has not been reported in a large population database; however, the coverage of this variant should be interpreted with caution. At this time, the clinical significance of this variant is uncertain due to the absence of conclusive functional and genetic evidence.